The following is an entry in ClinVar:

NM_006662.3(SRCAP):c.1619C>T (p.Ala540Val)

Gene: SRCAP (Snf2 related CREBBP activator protein; plus strand). Cytogenetic location: 16p11.2.
Variant type: single nucleotide variant.
Coding change: c.1619C>T on transcript NM_006662.3 (MANE Select); coding-DNA position 1619, C replaced by T.
Protein change: p.Ala540Val; replaces alanine 540 with valine.
Molecular consequence: missense variant.
Genome position (GRCh38, 1-based): chr16:30,711,961, C>T. VCF-style: chr16-30711961-C-T. GRCh37 (hg19) VCF-style: chr16-30723282-C-T.
Other names: short protein forms A540V.
Identifiers: ClinVar variation 788681 (VCV000788681.9), dbSNP rs746443116, ClinGen allele CA8011040.

ClinVar aggregate classification (germline): Likely benign. Review status: criteria provided, multiple submitters, no conflicts (2 of 4 stars). 2 submissions from 2 submitters: Likely benign (2). Last evaluated 2025-12-08.

Allele frequency attached by ClinVar (database versions not stated): gnomAD 0.00001; TOPMed 0.00010; ExAC 0.00018; gnomAD exomes 0.00024.
gnomAD v4.1: 75 of 1,613,794 alleles (0.0046%); highest among the groups gnomAD compares: Admixed American, 0.12%; no homozygotes.

Submissions (2):

Labcorp Genetics (formerly Invitae), Labcorp
Classification: Likely benign. Last evaluated: 2025-12-08. Review status: criteria provided, single submitter. Criteria: Invitae Variant Classification Sherloc (09022015). Collection method: clinical testing. Allele origin: germline.

Women's Health and Genetics/Laboratory Corporation of America, LabCorp
Classification: Likely benign. Last evaluated: 2025-05-12. Review status: criteria provided, single submitter. Criteria: LabCorp Variant Classification Summary - May 2015. Collection method: clinical testing. Allele origin: germline.
Comment: Variant summary: SRCAP c.1619C>T (p.Ala540Val) results in a non-conservative amino acid change in the encoded protein sequence. Algorithms developed to predict the effect of missense changes on protein structure and function are either unavailable or do not agree on the potential impact of this missense change. The variant allele was found at a frequency of 0.00024 in 251420 control chromosomes, predominantly at a frequency of 0.0017 within the Latino subpopulation in the gnomAD database. The observed variant frequency within Latino control individuals in the gnomAD database exceeds the estimated maximal expected allele frequency for a pathogenic variant in SRCAP causing Floating-Harbor Syndrome phenotype. To our knowledge, no occurrence of c.1619C>T in individuals affected with Floating-Harbor Syndrome and no experimental evidence demonstrating its impact on protein function have been reported. ClinVar contains an entry for this variant (Variation ID: 788681). Based on the evidence outlined above, the variant was classified as likely benign.